The following is an entry in ClinVar:

ClinVar aggregate classification (germline): Uncertain significance (1 of 4 stars; one submission).

Conditions:
Infantile spasms. Also called: Infantile spasm. Identifiers: MedGen C3887898, HP:0012469.

Submission:

Labcorp Genetics (formerly Invitae), Labcorp
Classification: Uncertain significance for Infantile spasms. Last evaluated: 2023-07-27. Review status: criteria provided, single submitter. Criteria: Invitae Variant Classification Sherloc (09022015). Collection method: clinical testing. Allele origin: germline.
Comment: This variant is not present in population databases (gnomAD no frequency). This sequence change falls in intron 9 of the PIK3AP1 gene. It does not directly change the encoded amino acid sequence of the PIK3AP1 protein. It affects a nucleotide within the consensus splice site. This variant has not been reported in the literature in individuals affected with PIK3AP1-related conditions. In summary, the available evidence is currently insufficient to determine the role of this variant in disease. Therefore, it has been classified as a Variant of Uncertain Significance. Variants that disrupt the consensus splice site are a relatively common cause of aberrant splicing (PMID: 17576681, 9536098). Algorithms developed to predict the effect of sequence changes on RNA splicing suggest that this variant is not likely to affect RNA splicing.

Literature cited by the submitters: PubMed 17576681; PubMed 9536098.

NM_152309.3(PIK3AP1):c.1471+6T>C

Gene: PIK3AP1 (phosphoinositide-3-kinase adaptor protein 1; minus strand). Cytogenetic location: 10q24.1.
Variant type: single nucleotide variant.
Coding change: c.1471+6T>C on transcript NM_152309.3 (MANE Select); 6 bases into the intron after coding-DNA position 1471, T replaced by C.
Molecular consequence: intron variant.
Genome position (GRCh38, 1-based): chr10:96,628,392, A>G on the plus strand (T>C on the coding strand, the complement: PIK3AP1 is on the minus strand). VCF-style: chr10-96628392-A-G. GRCh37 (hg19) VCF-style: chr10-98388149-A-G.
Identifiers: ClinVar variation 2747344 (VCV002747344.3), dbSNP rs2493664001, ClinGen allele CA2697558668.
Genomic context (GRCh38, chr10:96,628,392, plus strand): 5'-CAGACAATGTCTTGCATTTGTTTCTCTTTTGCTCTTTTGGCTTCCCTGCTCATGGCTATG[A>G]CTTACCTTCTAAAAACTTGCGGATCATAGAGTCCTTAGTGGCCCGAGAGAAACCATCTCC-3'